The following is an entry in ClinVar:

ClinVar aggregate classification (germline): Uncertain significance (1 of 4 stars; one submission).

Submission:

Ambry Genetics
Classification: Uncertain significance. Last evaluated: 2025-08-25. Review status: criteria provided, single submitter. Criteria: Ambry Variant Classification Scheme 2023. Collection method: clinical testing. Allele origin: germline.
Comment: The p.L1280F variant (also known as c.3838C>T), located in coding exon 16 of the WNK2 gene, results from a C to T substitution at nucleotide position 3838. The leucine at codon 1280 is replaced by phenylalanine, an amino acid with highly similar properties. This amino acid position is conserved. In addition, this alteration is predicted to be tolerated by in silico analysis. Based on the available evidence, the clinical significance of this variant remains unclear.

NM_006648.4(WNK2):c.3838C>T (p.Leu1280Phe)

Gene: WNK2 (WNK lysine deficient protein kinase 2; plus strand). Cytogenetic location: 9q22.31.
Variant type: single nucleotide variant.
Coding change: c.3838C>T on transcript NM_006648.4 (MANE Select); coding-DNA position 3838, C replaced by T.
Protein change: p.Leu1280Phe; replaces leucine 1280 with phenylalanine.
Molecular consequence: missense variant.
Genome position (GRCh38, 1-based): chr9:93,267,887, C>T. VCF-style: chr9-93267887-C-T. GRCh37 (hg19) VCF-style: chr9-96030169-C-T.
Other names: c.3838C>T, p.Leu1280Phe (NM_001282394.3); short protein forms L1280F.
Identifiers: ClinVar variation 4201826 (VCV004201826.1).